The following is an entry in ClinVar:

ClinVar aggregate classification (germline): Conflicting classifications of pathogenicity. Review status: criteria provided, conflicting classifications (1 of 4 stars). 9 submissions from 9 submitters: Uncertain significance (3); Likely benign (2). 4 of the submissions do not count toward it. Last evaluated 2026-01-26.

Conditions:
Methylmalonic aciduria due to methylmalonyl-CoA mutase deficiency (MAMM). Also called: Methylmalonic aciduria, mut type. Identifiers: Orphanet 27, MedGen C1855114, MONDO:0009612, OMIM 251000.
Methylmalonic aciduria due to complete methylmalonyl-CoA mutase deficiency.

Allele frequency attached by ClinVar (database versions not stated): gnomAD 0.00036 and 0.00046; ESP Exome Variant Server 0.00046; 1000 Genomes Project 30x 0.00047; TOPMed 0.00049; 1000 Genomes Project 0.00060; ExAC 0.00063; gnomAD exomes 0.00067.
gnomAD v4.1: 828 of 1,613,804 alleles (0.051%); highest among the groups gnomAD compares: Middle Eastern, 0.56%; 1 homozygote.

Submissions (9):

Labcorp Genetics (formerly Invitae), Labcorp
Classification: Likely benign. Last evaluated: 2026-01-26. Review status: criteria provided, single submitter. Criteria: Invitae Variant Classification Sherloc (09022015). Collection method: clinical testing. Allele origin: germline.

Blueprint Genetics
Classification: Uncertain significance. Last evaluated: 2024-10-16. Review status: criteria provided, single submitter. Criteria: ACMG Guidelines, 2015. Collection method: clinical testing. Allele origin: germline.

Genome-Nilou Lab
Classification: Uncertain significance for Methylmalonic aciduria due to methylmalonyl-CoA mutase deficiency. Last evaluated: 2021-05-18. Review status: criteria provided, single submitter. Criteria: ACMG Guidelines, 2015. Collection method: clinical testing. Allele origin: germline. Affected: no.

GeneDx
Classification: Likely benign. Last evaluated: 2018-10-16. Review status: criteria provided, single submitter. Criteria: GeneDx Variant Classification Process June 2021. Collection method: clinical testing. Allele origin: germline. Affected: yes.
Comment: This variant is associated with the following publications: (PMID: 29034175)

Illumina Laboratory Services, Illumina
Classification: Uncertain significance for Methylmalonic aciduria due to methylmalonyl-CoA mutase deficiency. Last evaluated: 2018-01-12. Review status: criteria provided, single submitter. Criteria: ICSL Variant Classification Criteria 13 December 2019. Collection method: clinical testing. Allele origin: germline.

Natera, Inc.
Classification: Benign for Methylmalonic aciduria due to complete methylmalonyl-CoA mutase deficiency. Last evaluated: 2019-12-09. Review status: no assertion criteria provided. Collection method: clinical testing. Allele origin: germline. Not counted in ClinVar's aggregate classification.

Clinical Genetics DNA and cytogenetics Diagnostics Lab, Erasmus MC, Erasmus Medical Center
Classification: Uncertain significance. Review status: no assertion criteria provided. Collection method: clinical testing. Allele origin: germline. Affected: yes. Study: VKGL Data-share Consensus. Not counted in ClinVar's aggregate classification.

Clinical Genetics, Academic Medical Center
Classification: Uncertain significance. Review status: no assertion criteria provided. Collection method: clinical testing. Allele origin: germline. Affected: yes. Study: VKGL Data-share Consensus. Not counted in ClinVar's aggregate classification.

Diagnostic Laboratory, Department of Genetics, University Medical Center Groningen
Classification: Uncertain significance for Methylmalonic aciduria due to methylmalonyl-CoA mutase deficiency. Review status: no assertion criteria provided. Collection method: clinical testing. Allele origin: germline. Affected: yes. Study: VKGL Data-share Consensus. Not counted in ClinVar's aggregate classification.

NM_000255.4(MMUT):c.1991C>T (p.Ala664Val)

Gene: MMUT (methylmalonyl-CoA mutase; minus strand). Cytogenetic location: 6p12.3.
Variant type: single nucleotide variant.
Coding change: c.1991C>T on transcript NM_000255.4 (MANE Select); coding-DNA position 1991, C replaced by T.
Protein change: p.Ala664Val; replaces alanine 664 with valine.
Molecular consequence: missense variant.
Genome position (GRCh38, 1-based): chr6:49,435,589, G>A on the plus strand (C>T on the coding strand, the complement: MMUT is on the minus strand). VCF-style: chr6-49435589-G-A. GRCh37 (hg19) VCF-style: chr6-49403302-G-A.
Other names: short protein forms A664V.
Identifiers: ClinVar variation 357254 (VCV000357254.24), dbSNP rs137958217, ClinGen allele CA3846685.